The following is an entry in ClinVar:

ClinVar aggregate classification (germline): Conflicting classifications of pathogenicity. Review status: criteria provided, conflicting classifications (1 of 4 stars). 2 submissions from 2 submitters: Uncertain significance (1); Likely benign (1). Last evaluated 2022-10-13.

Conditions:
Severe combined immunodeficiency due to DNA-PKcs deficiency. Also called: IMMUNODEFICIENCY 26 WITH NEUROLOGIC ABNORMALITIES; Immunodeficiency 26 with or without neurologic abnormalities. Identifiers: Orphanet 317425, MedGen C4014833, MONDO:0014423, OMIM 615966.

Allele frequency attached by ClinVar (database versions not stated): gnomAD 0.00001; gnomAD exomes 0.00002; TOPMed 0.00002.
gnomAD v4.1: 9 of 1,611,290 alleles (0.00056%); highest among the groups gnomAD compares: Admixed American, 0.0017%; no homozygotes.

Submissions (2):

Labcorp Genetics (formerly Invitae), Labcorp
Classification: Uncertain significance for Severe combined immunodeficiency due to DNA-PKcs deficiency. Last evaluated: 2022-10-13. Review status: criteria provided, single submitter. Criteria: Invitae Variant Classification Sherloc (09022015). Collection method: clinical testing. Allele origin: germline.
Comment: Advanced modeling of protein sequence and biophysical properties (such as structural, functional, and spatial information, amino acid conservation, physicochemical variation, residue mobility, and thermodynamic stability) performed at Invitae indicates that this missense variant is not expected to disrupt PRKDC protein function. ClinVar contains an entry for this variant (Variation ID: 1485349). This variant has not been reported in the literature in individuals affected with PRKDC-related conditions. This variant is present in population databases (rs778561823, gnomAD 0.004%). This sequence change replaces alanine, which is neutral and non-polar, with threonine, which is neutral and polar, at codon 211 of the PRKDC protein (p.Ala211Thr). In summary, the available evidence is currently insufficient to determine the role of this variant in disease. Therefore, it has been classified as a Variant of Uncertain Significance.

Ambry Genetics
Classification: Likely benign. Last evaluated: 2021-09-21. Review status: criteria provided, single submitter. Criteria: Ambry Variant Classification Scheme 2023. Collection method: clinical testing. Allele origin: germline.

NM_006904.7(PRKDC):c.631G>A (p.Ala211Thr)

Gene: PRKDC (protein kinase, DNA-activated, catalytic subunit; minus strand). Cytogenetic location: 8q11.21.
Variant type: single nucleotide variant.
Coding change: c.631G>A on transcript NM_006904.7 (MANE Select); coding-DNA position 631, G replaced by A.
Protein change: p.Ala211Thr; replaces alanine 211 with threonine.
Molecular consequence: missense variant.
Genome position (GRCh38, 1-based): chr8:47,953,710, C>T on the plus strand (G>A on the coding strand, the complement: PRKDC is on the minus strand). VCF-style: chr8-47953710-C-T. GRCh37 (hg19) VCF-style: chr8-48866270-C-T.
Other names: c.631G>A, p.Ala211Thr (NM_001081640.2); short protein forms A211T.
Identifiers: ClinVar variation 1485349 (VCV001485349.8), dbSNP rs778561823, ClinGen allele CA176150420.